The following is an entry in ClinVar:

ClinVar aggregate classification (germline): Uncertain significance (1 of 4 stars; one submission).

Conditions:
Long QT syndrome (LQTS). Identifiers: MedGen C0023976, MeSH D008133, MONDO:0002442. Disease mechanism: loss of function. Inheritance: Various modes of inheritance.

Submission:

Labcorp Genetics (formerly Invitae), Labcorp
Classification: Uncertain significance for Long QT syndrome. Last evaluated: 2024-05-15. Review status: criteria provided, single submitter. Criteria: Invitae Variant Classification Sherloc (09022015). Collection method: clinical testing. Allele origin: germline.
Comment: This sequence change replaces proline, which is neutral and non-polar, with serine, which is neutral and polar, at codon 227 of the KCNH2 protein (p.Pro227Ser). This variant is not present in population databases (gnomAD no frequency). This variant has not been reported in the literature in individuals affected with KCNH2-related conditions. An algorithm developed to predict the effect of missense changes on protein structure and function (PolyPhen-2) suggests that this variant is likely to be tolerated. In summary, the available evidence is currently insufficient to determine the role of this variant in disease. Therefore, it has been classified as a Variant of Uncertain Significance.

NM_000238.4(KCNH2):c.679C>T (p.Pro227Ser)

Gene: KCNH2 (potassium voltage-gated channel subfamily H member 2; minus strand). Cytogenetic location: 7q36.1.
Variant type: single nucleotide variant.
Coding change: c.679C>T on transcript NM_000238.4 (MANE Select); coding-DNA position 679, C replaced by T.
Protein change: p.Pro227Ser; replaces proline 227 with serine.
Molecular consequence: missense variant. On other transcripts: non-coding transcript variant (1).
Genome position (GRCh38, 1-based): chr7:150,958,296, G>A on the plus strand (C>T on the coding strand, the complement: KCNH2 is on the minus strand). VCF-style: chr7-150958296-G-A. GRCh37 (hg19) VCF-style: chr7-150655384-G-A.
Other names: c.502C>T, p.Pro168Ser (NM_001406755.1); c.391C>T, p.Pro131Ser (NM_001406756.1, NM_001406753.1); c.379C>T, p.Pro127Ser (NM_001406757.1); c.679C>T, p.Pro227Ser (NM_172056.3); short protein forms P127S, P168S, P131S, P227S.
Identifiers: ClinVar variation 3708420 (VCV003708420.2).